The following is an entry in ClinVar:

ClinVar aggregate classification (germline): Uncertain significance. Review status: criteria provided, multiple submitters, no conflicts (2 of 4 stars). 2 submissions from 2 submitters: Uncertain significance (2). Last evaluated 2026-04-19.

Conditions:
MYO18B-related disorder. Also called: MYO18B-related condition.

Allele frequency attached by ClinVar (database versions not stated): gnomAD 0.00001; gnomAD exomes 0.00001; TOPMed 0.00001.
gnomAD v4.1: 11 of 1,603,814 alleles (0.00069%); highest among the groups gnomAD compares: African/African-American, 0.0013%; no homozygotes.

Submissions (2):

PreventionGenetics, part of Exact Sciences
Classification: Uncertain significance for MYO18B-related condition. Last evaluated: 2026-04-19. Review status: criteria provided, single submitter. Criteria: ACMG Guidelines, 2015. Collection method: clinical testing. Allele origin: germline.
Comment: The MYO18B c.2134C>T variant is predicted to result in the amino acid substitution p.Arg712Cys. To our knowledge, this variant has not been reported in the literature. This variant is reported in 0.00095% of alleles in individuals of European (Non-Finnish) descent in gnomAD. At this time, the clinical significance of this variant is uncertain due to the absence of conclusive functional and genetic evidence.

Labcorp Genetics (formerly Invitae), Labcorp
Classification: Uncertain significance. Last evaluated: 2022-11-01. Review status: criteria provided, single submitter. Criteria: Invitae Variant Classification Sherloc (09022015). Collection method: clinical testing. Allele origin: germline.
Comment: This sequence change replaces arginine, which is basic and polar, with cysteine, which is neutral and slightly polar, at codon 712 of the MYO18B protein (p.Arg712Cys). The frequency data for this variant in the population databases is considered unreliable, as metrics indicate poor data quality at this position in the gnomAD database. This variant has not been reported in the literature in individuals affected with MYO18B-related conditions. Algorithms developed to predict the effect of missense changes on protein structure and function output the following: SIFT: "Not Available"; PolyPhen-2: "Benign"; Align-GVGD: "Not Available". The cysteine amino acid residue is found in multiple mammalian species, which suggests that this missense change does not adversely affect protein function. In summary, the available evidence is currently insufficient to determine the role of this variant in disease. Therefore, it has been classified as a Variant of Uncertain Significance.

NM_032608.7(MYO18B):c.2134C>T (p.Arg712Cys)

Gene: MYO18B (myosin XVIIIB; plus strand). Cytogenetic location: 22q12.1.
Variant type: single nucleotide variant.
Coding change: c.2134C>T on transcript NM_032608.7 (MANE Select); coding-DNA position 2134, C replaced by T.
Protein change: p.Arg712Cys; replaces arginine 712 with cysteine.
Molecular consequence: missense variant.
Genome position (GRCh38, 1-based): chr22:25,780,121, C>T. VCF-style: chr22-25780121-C-T. GRCh37 (hg19) VCF-style: chr22-26176088-C-T.
Other names: c.2134C>T (NM_032608.6); c.2134C>T, p.Arg712Cys (NM_001318245.2); short protein forms R712C.
Identifiers: ClinVar variation 1901395 (VCV001901395.3), dbSNP rs1180910052, ClinGen allele CA410993606.